The following is an entry in ClinVar:

NM_016363.5(GP6):c.64_65del (p.Ser22fs)

Gene: GP6 (glycoprotein VI platelet; minus strand). Cytogenetic location: 19q13.42.
Variant type: Microsatellite.
Coding change: c.64_65del on transcript NM_016363.5 (MANE Select); coding-DNA positions 64 to 65, 2 bases deleted (AG; older notation c.64_65delAG).
Protein change: p.Ser22fs; shifts the reading frame from serine 22.
Molecular consequence: frameshift variant.
Genome position (GRCh38, 1-based): chr19:55,032,508-55,032,509, CT deleted on the plus strand (AG on the coding strand, the reverse complement: GP6 is on the minus strand); deleting any 2 consecutive bases within chr19:55,032,508-55,032,511 gives the same sequence; the c. name uses the placement nearest the transcript's 3' end. VCF-style (leftmost placement, unchanged base first): chr19-55032507-ACT-A. GRCh37 (hg19) VCF-style: chr19-55543875-ACT-A.
Other names: c.64_65del, p.Ser22fs (NM_001083899.2, NM_001256017.2); short protein forms S22fs.
Identifiers: ClinVar variation 4691208 (VCV004691208.1).

ClinVar aggregate classification (germline): Pathogenic (1 of 4 stars; one submission).

Submission:

Labcorp Genetics (formerly Invitae), Labcorp
Classification: Pathogenic. Last evaluated: 2026-01-16. Review status: criteria provided, single submitter. Criteria: Invitae Variant Classification Sherloc (09022015). Collection method: clinical testing. Allele origin: germline.
Comment: This sequence change creates a premature translational stop signal (p.Ser22Trpfs*119) in the GP6 gene. It is expected to result in an absent or disrupted protein product. Loss-of-function variants in GP6 are known to be pathogenic (PMID: 16139873, 23815599). This variant is present in population databases (no rsID available, gnomAD 0.0009%). This variant has not been reported in the literature in individuals affected with GP6-related conditions. For these reasons, this variant has been classified as Pathogenic.

Literature cited by the submitters: PubMed 16139873; PubMed 23815599.